The following is an entry in ClinVar:

ClinVar aggregate classification (germline): Uncertain significance. Review status: criteria provided, multiple submitters, no conflicts (2 of 4 stars). 3 submissions from 3 submitters: Uncertain significance (3). Last evaluated 2023-08-28.

Conditions:
RYR1-related disorder. Also called: RYR1-related disorders; RYR1-related condition. Identifiers: MedGen CN239331.
Malignant hyperthermia, susceptibility to, 1 (MHS1). Also called: Anesthesia related hyperthermia; Malignant hyperpyrexia; Fulminating hyperpyrexia; Pharmacogenic myopathy; RYR1-Related Malignant Hyperthermia Susceptibility; Malignant hyperthermia suceptibility 1. Identifiers: Orphanet 423, MedGen C2930980, MONDO:0007783, OMIM 145600.

Submissions (3):

All of Us Research Program, National Institutes of Health
Classification: Uncertain significance for Malignant hyperthermia, susceptibility to, 1. Last evaluated: 2023-08-28. Review status: criteria provided, single submitter. Criteria: ACMG Guidelines, 2015. Collection method: clinical testing. Allele origin: germline. Inheritance: Autosomal dominant inheritance. Observed: 1 variant allele, 1 heterozygote.
Comment: This missense variant replaces threonine with isoleucine at codon 390 of the RYR1 protein. Computational prediction suggests that this variant may not impact protein structure and function (internally defined REVEL score threshold <= 0.5, PMID: 27666373). To our knowledge, functional studies have not been reported for this variant. This variant has not been reported in individuals affected with RYR1-related disorders in the literature. This variant has not been identified in the general population by the Genome Aggregation Database (gnomAD). The available evidence is insufficient to determine the role of this variant in disease conclusively. Therefore, this variant is classified as a Variant of Uncertain Significance.

This study involves interpretation of variants in research participants for the purpose of population health screening. Participant phenotype was not available at the time of variant classification. Additional details can be found in publication PMID: 35346344, PMCID: PMC8962531

Color Diagnostics, LLC DBA Color Health
Classification: Uncertain significance for Malignant hyperthermia, susceptibility to, 1. Last evaluated: 2023-08-16. Review status: criteria provided, single submitter. Criteria: ACMG Guidelines, 2015. Collection method: clinical testing. Allele origin: germline.
Comment: This missense variant replaces threonine with isoleucine at codon 390 of the RYR1 protein. Computational prediction suggests that this variant may not impact protein structure and function. To our knowledge, functional studies have not been reported for this variant. This variant has not been reported in individuals affected with RYR1-related disorders in the literature. This variant has not been identified in the general population by the Genome Aggregation Database (gnomAD). The available evidence is insufficient to determine the role of this variant in disease conclusively. Therefore, this variant is classified as a Variant of Uncertain Significance.

Labcorp Genetics (formerly Invitae), Labcorp
Classification: Uncertain significance for RYR1-related disorder. Last evaluated: 2022-02-11. Review status: criteria provided, single submitter. Criteria: Invitae Variant Classification Sherloc (09022015). Collection method: clinical testing. Allele origin: germline.
Comment: This variant has not been reported in the literature in individuals affected with RYR1-related conditions. In summary, the available evidence is currently insufficient to determine the role of this variant in disease. Therefore, it has been classified as a Variant of Uncertain Significance. Advanced modeling of protein sequence and biophysical properties (such as structural, functional, and spatial information, amino acid conservation, physicochemical variation, residue mobility, and thermodynamic stability) performed at Invitae indicates that this missense variant is not expected to disrupt RYR1 protein function. This variant is not present in population databases (gnomAD no frequency). This sequence change replaces threonine, which is neutral and polar, with isoleucine, which is neutral and non-polar, at codon 390 of the RYR1 protein (p.Thr390Ile).

NM_000540.3(RYR1):c.1169C>T (p.Thr390Ile)

Gene: RYR1 (ryanodine receptor 1; plus strand). Cytogenetic location: 19q13.2.
Variant type: single nucleotide variant.
Coding change: c.1169C>T on transcript NM_000540.3 (MANE Select); coding-DNA position 1169, C replaced by T.
Protein change: p.Thr390Ile; replaces threonine 390 with isoleucine.
Molecular consequence: missense variant.
Genome position (GRCh38, 1-based): chr19:38,451,810, C>T. VCF-style: chr19-38451810-C-T. GRCh37 (hg19) VCF-style: chr19-38942450-C-T.
Other names: c.1169C>T, p.Thr390Ile (NM_001042723.2); short protein forms T390I.
Identifiers: ClinVar variation 1898600 (VCV001898600.6), dbSNP rs2514009760, ClinGen allele CA405683705.